The following is an entry in ClinVar:

ClinVar aggregate classification (germline): Pathogenic (1 of 4 stars; one submission).

Conditions:
Cutis laxa, autosomal recessive, type 1B (ARCL1B). Also called: EFEMP2-Related Cutis Laxa; CUTIS LAXA, AUTOSOMAL RECESSIVE, TYPE IB. Identifiers: Orphanet 90349, MedGen C3280798, MONDO:0013754, OMIM 614437. Disease mechanism: loss of function.

Submission:

Labcorp Genetics (formerly Invitae), Labcorp
Classification: Pathogenic for Cutis laxa, autosomal recessive, type 1B. Last evaluated: 2020-02-11. Review status: criteria provided, single submitter. Criteria: Invitae Variant Classification Sherloc (09022015). Collection method: clinical testing. Allele origin: germline.
Comment: For these reasons, this variant has been classified as Pathogenic. Loss-of-function variants in EFEMP2 are known to be pathogenic (PMID: 17937443). This variant has not been reported in the literature in individuals with EFEMP2-related conditions. This variant is a gross deletion of the genomic region encompassing exons 1-3 of the EFEMP2 gene, which includes the initiator codon. The 5' end of this event is unknown as it extends beyond the assayed region for this gene and therefore may encompass additional genes. The 3' boundary is likely confined to intron 3 of the EFEMP2 gene. This is expected to result in an absent or disrupted protein product.

Literature cited by the submitters: PubMed 17937443.

NC_000011.10:g.(?_65871960)_(65872944_?)del

Gene: EFEMP2 (EGF-like fibulin extracellular matrix protein 2; minus strand). Cytogenetic location: 11q13.1.
Variant type: Deletion.
Identifiers: ClinVar variation 832127 (VCV000832127.5).